The following is an entry in ClinVar:

ClinVar aggregate classification (germline): Uncertain significance (1 of 4 stars; one submission).

Conditions:
Charcot-Marie-Tooth disease axonal type 2V. Also called: CHARCOT-MARIE-TOOTH NEUROPATHY, TYPE 2V; CHARCOT-MARIE-TOOTH DISEASE, AXONAL, AUTOSOMAL DOMINANT, TYPE 2V. Identifiers: Orphanet 447964, MedGen C5569050, MONDO:0014665, OMIM 616491.
Mucopolysaccharidosis, MPS-III-B (MPS3B). Also called: N-ACETYL-ALPHA-D-GLUCOSAMINIDASE DEFICIENCY; NAGLU DEFICIENCY; SANFILIPPO SYNDROME B; MPS III B; Mucopolysaccharidosis type IIIB (Sanfilippo B); MUCOPOLYSACCHARIDOSIS, TYPE IIIB. Identifiers: Orphanet 79270, MedGen C0086648, MONDO:0009656, OMIM 252920.

Submission:

Labcorp Genetics (formerly Invitae), Labcorp
Classification: Uncertain significance for Charcot-Marie-Tooth disease axonal type 2V; Mucopolysaccharidosis, MPS-III-B. Last evaluated: 2023-03-21. Review status: criteria provided, single submitter. Criteria: Invitae Variant Classification Sherloc (09022015). Collection method: clinical testing. Allele origin: germline.
Comment: This sequence change replaces leucine, which is neutral and non-polar, with methionine, which is neutral and non-polar, at codon 610 of the NAGLU protein (p.Leu610Met). This variant is not present in population databases (gnomAD no frequency). This variant has not been reported in the literature in individuals affected with NAGLU-related conditions. Advanced modeling of protein sequence and biophysical properties (such as structural, functional, and spatial information, amino acid conservation, physicochemical variation, residue mobility, and thermodynamic stability) has been performed at Invitae for this missense variant, however the output from this modeling did not meet the statistical confidence thresholds required to predict the impact of this variant on NAGLU protein function. In summary, the available evidence is currently insufficient to determine the role of this variant in disease. Therefore, it has been classified as a Variant of Uncertain Significance.

NM_000263.4(NAGLU):c.1828C>A (p.Leu610Met)

Gene: NAGLU (N-acetyl-alpha-glucosaminidase; plus strand). Cytogenetic location: 17q21.2.
Variant type: single nucleotide variant.
Coding change: c.1828C>A on transcript NM_000263.4 (MANE Select); coding-DNA position 1828, C replaced by A.
Protein change: p.Leu610Met; replaces leucine 610 with methionine.
Molecular consequence: missense variant.
Genome position (GRCh38, 1-based): chr17:42,543,834, C>A. VCF-style: chr17-42543834-C-A. GRCh37 (hg19) VCF-style: chr17-40695852-C-A.
Other names: short protein forms L610M.
Identifiers: ClinVar variation 2941964 (VCV002941964.3), dbSNP rs1198292626, ClinGen allele CA399605017.
Genomic context (GRCh38, chr17:42,543,834, plus strand): 5'-TCCCTGTTGAGGGCTGGAGGCGTCCTGGCCTATGAGCTGCTGCCGGCACTGGACGAGGTG[C>A]TGGCTAGTGACAGCCGCTTCTTGCTGGGCAGCTGGCTAGAGCAGGCCCGAGCAGCGGCAG-3'
Protein context (NP_000254.2, residues 600-620): YELLPALDEV[Leu610Met]ASDSRFLLGS